The following is an entry in ClinVar:

NM_000465.4(BARD1):c.694A>C (p.Lys232Gln)

Gene: BARD1 (BRCA1 associated RING domain 1; minus strand). Cytogenetic location: 2q35.
Variant type: single nucleotide variant.
Coding change: c.694A>C on transcript NM_000465.4 (MANE Select); coding-DNA position 694, A replaced by C.
Protein change: p.Lys232Gln; replaces lysine 232 with glutamine.
Molecular consequence: missense variant. On other transcripts: non-coding transcript variant (2), intron variant (3).
Genome position (GRCh38, 1-based): chr2:214,781,180, T>G on the plus strand (A>C on the coding strand, the complement: BARD1 is on the minus strand). VCF-style: chr2-214781180-T-G. GRCh37 (hg19) VCF-style: chr2-215645904-T-G.
Other names: c.637A>C, p.Lys213Gln (NM_001282543.2); c.158+28232A>C (NM_001282548.2); c.215+15881A>C (NM_001282545.2); c.364+11117A>C (NM_001282549.2); short protein forms K213Q, K232Q.
Identifiers: ClinVar variation 1014521 (VCV001014521.9), dbSNP rs1695001554, ClinGen allele CA350456380.

ClinVar aggregate classification (germline): Uncertain significance (1 of 4 stars; one submission).

Conditions:
Familial cancer of breast. Also called: BREAST CANCER, FAMILIAL; Hereditary breast cancer; hereditary breast carcinoma. Identifiers: Orphanet 227535, MedGen C0346153, MONDO:0016419, OMIM 114480. Disease mechanism: loss of function.

Submission:

Labcorp Genetics (formerly Invitae), Labcorp
Classification: Uncertain significance for Familial cancer of breast. Last evaluated: 2020-09-26. Review status: criteria provided, single submitter. Criteria: Invitae Variant Classification Sherloc (09022015). Collection method: clinical testing. Allele origin: germline.
Comment: This sequence change replaces lysine with glutamine at codon 232 of the BARD1 protein (p.Lys232Gln). The lysine residue is highly conserved and there is a small physicochemical difference between lysine and glutamine. This variant is not present in population databases (ExAC no frequency). This variant has not been reported in the literature in individuals with BARD1-related conditions. Algorithms developed to predict the effect of missense changes on protein structure and function are either unavailable or do not agree on the potential impact of this missense change (SIFT: "Deleterious"; PolyPhen-2: "Benign"; Align-GVGD: "Class C45"). In summary, the available evidence is currently insufficient to determine the role of this variant in disease. Therefore, it has been classified as a Variant of Uncertain Significance.